The following is an entry in ClinVar:

NM_000091.5(COL4A3):c.3691G>A (p.Gly1231Ser)

Genes: COL4A3 (collagen type IV alpha 3 chain; plus strand), MFF-DT (MFF divergent transcript; minus strand). Cytogenetic location: 2q36.3.
Variant type: single nucleotide variant.
Coding change: c.3691G>A on transcript NM_000091.5 (MANE Select); coding-DNA position 3691, G replaced by A.
Protein change: p.Gly1231Ser; replaces glycine 1231 with serine.
Molecular consequence: missense variant.
Genome position (GRCh38, 1-based): chr2:227,297,799, G>A. VCF-style: chr2-227297799-G-A. GRCh37 (hg19) VCF-style: chr2-228162515-G-A.
Other names: short protein forms G1231S.
Identifiers: ClinVar variation 554433 (VCV000554433.11), dbSNP rs761518401, ClinGen allele CA2147324.

ClinVar aggregate classification (germline): Uncertain significance. Review status: criteria provided, multiple submitters, no conflicts (2 of 4 stars). 6 submissions from 6 submitters: Uncertain significance (5). 1 of the submissions does not count toward it. Last evaluated 2026-07-17.

Conditions:
Autosomal recessive Alport syndrome (ATS2). Also called: COL4A4 Alport Syndrome and Thin Basement Membrane Nephropathy; ALPORT SYNDROME 2, AUTOSOMAL RECESSIVE; COL4A3-Related Nephropathy; Alport syndrome type 2. Identifiers: Orphanet 63, Orphanet 88919, MedGen C4746745, MONDO:0008762, OMIM 203780.
Alport syndrome 3b, autosomal recessive. Identifiers: MedGen C5882699, MONDO:0957811, OMIM 620536.
Hematuria, benign familial, 2 (BFH2). Identifiers: MedGen C5830421, MONDO:0958186, OMIM 620320.
Autosomal dominant Alport syndrome (ATS3A). Also called: ALPORT SYNDROME 3A, AUTOSOMAL DOMINANT; Alport syndrome dominant type; Renal failure and sensorineural hearing loss. Identifiers: Orphanet 63, Orphanet 88918, MedGen C5882663, MONDO:0007086, OMIM 104200.
COL4A3-related disorder. Also called: COL4A3-related condition; COL4A3-Related Disorders.

Allele frequency attached by ClinVar (database versions not stated): gnomAD exomes 0.00001; gnomAD 0.00002; TOPMed 0.00002; ExAC 0.00007.
gnomAD v4.1: 18 of 1,573,722 alleles (0.0011%); highest among the groups gnomAD compares: East Asian, 0.0046%; no homozygotes.

Submissions (6):

GeneDx
Classification: Uncertain significance. Last evaluated: 2026-07-17. Review status: criteria provided, single submitter. Criteria: GeneDx Variant Classification Process June 2021. Collection method: clinical testing. Allele origin: germline.
Comment: Reported with a mosaic COL4A5 variant in a patient with Alport syndrome in published literature; this variant was present in the patient's unaffected father and sister (PMID: 27796712); In silico analysis supports that this missense variant has a deleterious effect on protein structure/function; This variant is associated with the following publications: (PMID: 31312776, 33229591, 34400539, 27796712, 40044766, 39137047)

Women's Health and Genetics/Laboratory Corporation of America, LabCorp
Classification: Uncertain significance. Last evaluated: 2025-07-07. Review status: criteria provided, single submitter. Criteria: LabCorp Variant Classification Summary - May 2015. Collection method: clinical testing. Allele origin: germline.
Comment: Variant summary: COL4A3 c.3691G>A (p.Gly1231Ser) results in a non-conservative amino acid change in the encoded protein sequence. Algorithms developed to predict the effect of missense changes on protein structure and function all suggest that this variant is likely to be disruptive. The variant allele was found at a frequency of 1.1e-05 in 1573722 control chromosomes. This frequency is not significantly higher than estimated for a pathogenic variant in COL4A3 causing Autosomal Recessive Alport Syndrome (1.1e-05 vs 0.0014), allowing no conclusion about variant significance. Two other family members heterozygous for c.3691G>A (but without the COL4A5 variant) were unaffected, although the authors postulated that the c.3691G>A variant may have contributed to the severity of the patient's phenotype. This variant has also been observed in an individual affected with age-related hearing loss, however no additional clinical features indicative of Alport Syndrome were reported (Boucher_2020). These reports do not provide unequivocal conclusions about association of the variant with Alport Syndrome. To our knowledge, no experimental evidence demonstrating an impact on protein function has been reported. The following publications have been ascertained in the context of this evaluation (PMID: 33229591, 34400539, 27796712). ClinVar contains an entry for this variant (Variation ID: 554433). Based on the evidence outlined above, the variant was classified as uncertain significance.

PreventionGenetics, part of Exact Sciences
Classification: Uncertain significance for COL4A3-related condition. Last evaluated: 2025-04-23. Review status: criteria provided, single submitter. Criteria: ACMG Guidelines, 2015. Collection method: clinical testing. Allele origin: germline.
Comment: The COL4A3 c.3691G>A variant is predicted to result in the amino acid substitution p.Gly1231Ser. This variant was reported as a modifier variant to a COL4A5 variant in an individual with Alport syndrome (Yokota et al. 2017. PubMed ID: 27796712) and in another individual with hearing loss (Boucher et al. 2020. PubMed ID: 33229591). This variant is reported in 0.015% of alleles in individuals of East Asian descent in gnomAD. At this time, the clinical significance of this variant is uncertain due to the absence of conclusive functional and genetic evidence.

Fulgent Genetics
Classification: Uncertain significance for Autosomal dominant Alport syndrome; Hematuria, benign familial, 2; Alport syndrome 3b, autosomal recessive. Last evaluated: 2024-05-24. Review status: criteria provided, single submitter. Criteria: ACMG Guidelines, 2015. Collection method: clinical testing. Allele origin: germline.

Labcorp Genetics (formerly Invitae), Labcorp
Classification: Uncertain significance. Last evaluated: 2024-02-17. Review status: criteria provided, single submitter. Criteria: Invitae Variant Classification Sherloc (09022015). Collection method: clinical testing. Allele origin: germline.
Comment: This sequence change replaces glycine, which is neutral and non-polar, with serine, which is neutral and polar, at codon 1231 of the COL4A3 protein (p.Gly1231Ser). The frequency data for this variant in the population databases is considered unreliable, as metrics indicate poor data quality at this position in the gnomAD database. This missense change has been observed in individual(s) with Alport syndrome (PMID: 27796712). ClinVar contains an entry for this variant (Variation ID: 554433). Advanced modeling of protein sequence and biophysical properties (such as structural, functional, and spatial information, amino acid conservation, physicochemical variation, residue mobility, and thermodynamic stability) has been performed at Invitae for this missense variant, however the output from this modeling did not meet the statistical confidence thresholds required to predict the impact of this variant on COL4A3 protein function. In summary, the available evidence is currently insufficient to determine the role of this variant in disease. Therefore, it has been classified as a Variant of Uncertain Significance.

Counsyl
Classification: Uncertain significance for Autosomal recessive Alport syndrome. Last evaluated: 2017-10-18. Review status: no assertion criteria provided. Collection method: clinical testing. Allele origin: unknown. Not counted in ClinVar's aggregate classification.

Literature cited by the submitters: PubMed 34400539 (cited by Women's Health and Genetics/Laboratory Corporation of America, LabCorp); PubMed 33229591 (cited by Women's Health and Genetics/Laboratory Corporation of America, LabCorp); PubMed 27796712 (cited by 3 submitters).